The following is an entry in ClinVar:

NM_001754.5(RUNX1):c.967A>G (p.Thr323Ala)

Gene: RUNX1 (RUNX family transcription factor 1; minus strand). Cytogenetic location: 21q22.12.
Variant type: single nucleotide variant.
Coding change: c.967A>G on transcript NM_001754.5 (MANE Select); coding-DNA position 967, A replaced by G.
Protein change: p.Thr323Ala; replaces threonine 323 with alanine.
Molecular consequence: missense variant.
Genome position (GRCh38, 1-based): chr21:34,799,301, T>C on the plus strand (A>G on the coding strand, the complement: RUNX1 is on the minus strand). VCF-style: chr21-34799301-T-C. GRCh37 (hg19) VCF-style: chr21-36171598-T-C.
Other names: NM_001754.5(RUNX1):c.967A>G; p.Thr323Ala; c.886A>G, p.Thr296Ala (NM_001001890.3); short protein forms T296A, T323A.
Identifiers: ClinVar variation 943098 (VCV000943098.14), dbSNP rs776703625, ClinGen allele CA10014259.

ClinVar aggregate classification (germline): Uncertain significance. Review status: reviewed by expert panel (3 of 4 stars). 5 submissions from 5 submitters: Uncertain significance (1). 4 of the submissions do not count toward it. Last evaluated 2025-03-26.

Conditions:
Hereditary cancer-predisposing syndrome. Also called: Neoplastic Syndromes, Hereditary; Hereditary neoplastic syndrome; Tumor predisposition; Hereditary Cancer Syndrome. Identifiers: Orphanet 140162, MedGen C0027672, MeSH D009386, MONDO:0015356.
Hereditary thrombocytopenia and hematologic cancer predisposition syndrome. Identifiers: Orphanet 71290, MedGen CN281654, MONDO:0011071.
Inborn genetic diseases. Identifiers: MedGen C0950123, MeSH D030342.
Acute myeloid leukemia (AML). Also called: Acute myeloid leukemia, adult; AML adult; Acute non-lymphocytic leukemia; Acute granulocytic leukemia; Leukemia, acute myelogenous, somatic; Leukemia, acute myeloid, somatic. Identifiers: Orphanet 519, MedGen C0023467, MeSH D015470, MONDO:0018874, OMIM 601626, HP:0004808. Disease mechanism: Constitutively activated FLT3.
Hereditary thrombocytopenia and hematological cancer predisposition syndrome associated with RUNX1. Also called: Familial Platelet Disorder with Propensity to Acute Myelogenous Leukemia; Familial thrombocytopenia with propensity to acute myelogenous leukemia; PLATELET DISORDER, ASPIRIN-LIKE; RUNX1 Familial Platelet Disorder with Associated Myeloid Malignancies. Identifiers: Orphanet 71290, MedGen C1832388, MeSH C563324, MONDO:0100083, OMIM 601399.

Allele frequency attached by ClinVar (database versions not stated): gnomAD 0.00001; ExAC 0.00002; gnomAD exomes 0.00002; TOPMed 0.00002.
gnomAD v4.1: 12 of 1,614,060 alleles (0.00074%); highest among the groups gnomAD compares: South Asian, 0.0088%; no homozygotes.

Submissions (5):

ClinGen Myeloid Malignancy Variant Curation Expert Panel
Classification: Uncertain significance for Hereditary thrombocytopenia and hematologic cancer predisposition syndrome. Last evaluated: 2025-03-26. Review status: reviewed by expert panel. Criteria: ClinGen MyeloMalig ACMG Specifications v2. Collection method: curation. Allele origin: germline. Inheritance: Autosomal dominant inheritance.
Comment: NM_001754.5(RUNX1):c.967A>G (p.Thr323Ala) is a missense variant which has a REVEL score < 0.50 (0.063) and a SpliceAI score ≤ 0.20 (Δ score acceptor gain 0.04; Δ score donor gain 0.02) (BP4). This variant has been reported in one proband meeting at least one of the RUNX1-phenotypic criteria (PS4_supporting; PMID: 34166225). In summary, the clinical significance of this variant is uncertain. ACMG/AMP criteria applied, as specified by the Myeloid Malignancy Variant Curation Expert Panel for RUNX1: BP4, PS4_supporting.

Ambry Genetics
Classification: Likely benign for Inborn genetic diseases. Last evaluated: 2025-04-30. Review status: criteria provided, single submitter. Criteria: Ambry Variant Classification Scheme 2023. Collection method: clinical testing. Allele origin: germline. Not counted in ClinVar's aggregate classification.

Labcorp Genetics (formerly Invitae), Labcorp
Classification: Uncertain significance for Hereditary thrombocytopenia and hematological cancer predisposition syndrome associated with RUNX1. Last evaluated: 2024-11-05. Review status: criteria provided, single submitter. Criteria: Invitae Variant Classification Sherloc (09022015). Collection method: clinical testing. Allele origin: germline. Not counted in ClinVar's aggregate classification.
Comment: This sequence change replaces threonine, which is neutral and polar, with alanine, which is neutral and non-polar, at codon 323 of the RUNX1 protein (p.Thr323Ala). This variant is present in population databases (rs776703625, gnomAD 0.01%). This variant has not been reported in the literature in individuals affected with RUNX1-related conditions. ClinVar contains an entry for this variant (Variation ID: 943098). An algorithm developed to predict the effect of missense changes on protein structure and function (PolyPhen-2) suggests that this variant is likely to be tolerated. RNA analysis performed to evaluate the impact of this missense change on mRNA splicing indicates it does not significantly alter splicing (internal data). In summary, the available evidence is currently insufficient to determine the role of this variant in disease. Therefore, it has been classified as a Variant of Uncertain Significance.

Baylor Genetics
Classification: Uncertain significance for Acute myeloid leukemia. Last evaluated: 2023-11-02. Review status: criteria provided, single submitter. Criteria: ACMG Guidelines, 2015. Collection method: clinical testing. Allele origin: unknown. Not counted in ClinVar's aggregate classification.

Sema4
Classification: Uncertain significance for Hereditary cancer-predisposing syndrome. Last evaluated: 2021-04-09. Review status: criteria provided, single submitter. Criteria: Sema4 Curation Guidelines. Collection method: curation. Allele origin: germline. Not counted in ClinVar's aggregate classification.
Comment: The RUNX1 c.967A>G (p.T323A) variant has not been reported in the literature to our knowledge. It was observed in 3/30616 chromosomes of the South Asian subpopulation by the Genome Aggregation Database (PMID: 32461654). The variant has been reported in ClinVar (Variation ID: 943098). In silico tools suggest the impact of the variant on protein function is benign, though these predictions have not been confirmed by functional studies. The evidence is insufficient to meet ACMG/AMP criteria for classifying the variant as benign or pathogenic. Thus, the clinical significance of this variant is currently uncertain.